The following is an entry in ClinVar:

NM_004273.5(CHST3):c.463C>A (p.Gln155Lys)

Gene: CHST3 (carbohydrate sulfotransferase 3; plus strand). Cytogenetic location: 10q22.1.
Variant type: single nucleotide variant.
Coding change: c.463C>A on transcript NM_004273.5 (MANE Select); coding-DNA position 463, C replaced by A.
Protein change: p.Gln155Lys; replaces glutamine 155 with lysine.
Molecular consequence: missense variant.
Genome position (GRCh38, 1-based): chr10:72,007,494, C>A. VCF-style: chr10-72007494-C-A. GRCh37 (hg19) VCF-style: chr10-73767252-C-A.
Other names: short protein forms Q155K.
Identifiers: ClinVar variation 3671288 (VCV003671288.2).

ClinVar aggregate classification (germline): Uncertain significance (1 of 4 stars; one submission).

Conditions:
Spondyloepiphyseal dysplasia with congenital joint dislocations (SEDCJD). Also called: Chondrodysplasia with Congenital Joint Dislocations, CHST3-Related. Identifiers: Orphanet 263463, MedGen C1837657, MONDO:0007738, OMIM 143095.

Submission:

Labcorp Genetics (formerly Invitae), Labcorp
Classification: Uncertain significance for Spondyloepiphyseal dysplasia with congenital joint dislocations. Last evaluated: 2024-08-31. Review status: criteria provided, single submitter. Criteria: Invitae Variant Classification Sherloc (09022015). Collection method: clinical testing. Allele origin: germline.
Comment: This sequence change replaces glutamine, which is neutral and polar, with lysine, which is basic and polar, at codon 155 of the CHST3 protein (p.Gln155Lys). This variant is present in population databases (no rsID available, gnomAD 0.003%). This variant has not been reported in the literature in individuals affected with CHST3-related conditions. Invitae Evidence Modeling of protein sequence and biophysical properties (such as structural, functional, and spatial information, amino acid conservation, physicochemical variation, residue mobility, and thermodynamic stability) has been performed for this missense variant. However, the output from this modeling did not meet the statistical confidence thresholds required to predict the impact of this variant on CHST3 protein function. In summary, the available evidence is currently insufficient to determine the role of this variant in disease. Therefore, it has been classified as a Variant of Uncertain Significance.